The following is an entry in ClinVar:

ClinVar aggregate classification (germline): Conflicting classifications of pathogenicity. Review status: criteria provided, conflicting classifications (1 of 4 stars). 6 submissions from 6 submitters: Uncertain significance (4); Likely benign (2). Last evaluated 2025-12-20.

Conditions:
Hereditary nonpolyposis colorectal neoplasms. Identifiers: MedGen C0009405, MeSH D003123.
Hereditary cancer-predisposing syndrome. Also called: Tumor predisposition; Hereditary Cancer Syndrome; Hereditary neoplastic syndrome; Neoplastic Syndromes, Hereditary. Identifiers: Orphanet 140162, MedGen C0027672, MeSH D009386, MONDO:0015356.
Lynch syndrome 5 (LYNCH5). Also called: Colorectal cancer, hereditary nonpolyposis, type 5; Hereditary non-polyposis colorectal cancer, type 5. Identifiers: Orphanet 144, MedGen C1833477, MONDO:0013710, OMIM 614350. Disease mechanism: loss of function.

Allele frequency attached by ClinVar (database versions not stated): ExAC 0.00002; gnomAD exomes 0.00002.
gnomAD v4.1: 16 of 1,612,660 alleles (0.00099%); highest among the groups gnomAD compares: South Asian, 0.017%; no homozygotes.

Submissions (6):

Labcorp Genetics (formerly Invitae), Labcorp
Classification: Likely benign for Hereditary nonpolyposis colorectal neoplasms. Last evaluated: 2025-12-20. Review status: criteria provided, single submitter. Criteria: Invitae Variant Classification Sherloc (09022015). Collection method: clinical testing. Allele origin: germline.

Ambry Genetics
Classification: Uncertain significance for Hereditary cancer-predisposing syndrome. Last evaluated: 2025-09-18. Review status: criteria provided, single submitter. Criteria: Ambry Variant Classification Scheme 2023. Collection method: clinical testing. Allele origin: germline.
Comment: The p.F1037L variant (also known as c.3111C>G), located in coding exon 4 of the MSH6 gene, results from a C to G substitution at nucleotide position 3111. The phenylalanine at codon 1037 is replaced by leucine, an amino acid with highly similar properties. This amino acid position is highly conserved in available vertebrate species. In addition, this alteration is predicted to be deleterious by in silico analysis. Since supporting evidence is limited at this time, the clinical significance of this alteration remains unclear.

Quest Diagnostics Nichols Institute San Juan Capistrano
Classification: Uncertain significance. Last evaluated: 2025-03-14. Review status: criteria provided, single submitter. Criteria: Quest Diagnostics criteria. Collection method: clinical testing. Allele origin: unknown.
Comment: The MSH6 c.3111C>G (p.Phe1037Leu) variant has not been reported in individuals with MSH6-related conditions in the published literature. The frequency of this variant in the general population (Genome Aggregation Database) is uninformative in the assessment of its pathogenicity. Analysis of this variant using bioinformatics tools for the prediction of the effect of amino acid changes on protein structure and function yielded predictions that this variant is damaging. Based on the available information, we are unable to determine the clinical significance of this variant.

Myriad Genetics, Inc.
Classification: Likely benign for Lynch syndrome 5. Last evaluated: 2025-01-03. Review status: criteria provided, single submitter. Criteria: Myriad Autosomal Dominant, Autosomal Recessive and X-Linked Classification Criteria (2023). Collection method: clinical testing. Allele origin: unknown.
Comment: This variant is considered likely benign. This variant is strongly associated with less severe personal and family histories of cancer, typical for individuals without pathogenic variants in this gene [PMID: 27363726].

Color Diagnostics, LLC DBA Color Health
Classification: Uncertain significance for Hereditary cancer-predisposing syndrome. Last evaluated: 2024-06-03. Review status: criteria provided, single submitter. Criteria: ACMG Guidelines, 2015. Collection method: clinical testing. Allele origin: germline.
Comment: This missense variant replaces phenylalanine with leucine at codon 1037 of the MSH6 protein. Computational prediction suggests that this variant may have deleterious impact on protein structure and function (internally defined REVEL score threshold >= 0.7, PMID: 27666373). To our knowledge, functional studies have not been reported for this variant. This variant has not been reported in individuals affected with MSH6-related disorders in the literature. This variant has been identified in 5/249168 chromosomes in the general population by the Genome Aggregation Database (gnomAD). The available evidence is insufficient to determine the role of this variant in disease conclusively. Therefore, this variant is classified as a Variant of Uncertain Significance.

GeneDx
Classification: Uncertain significance. Last evaluated: 2020-09-21. Review status: criteria provided, single submitter. Criteria: GeneDx Variant Classification Process June 2021. Collection method: clinical testing. Allele origin: germline. Affected: yes.
Comment: Not observed at a significant frequency in large population cohorts (Lek 2016); In silico analysis supports that this missense variant has a deleterious effect on protein structure/function; Has not been previously published as pathogenic or benign to our knowledge

Literature cited by the submitters: PubMed 24816253 (cited by Quest Diagnostics Nichols Institute San Juan Capistrano); PubMed 32019284 (cited by Quest Diagnostics Nichols Institute San Juan Capistrano); PubMed 36550560 (cited by Quest Diagnostics Nichols Institute San Juan Capistrano); PubMed 27363726 (cited by Myriad Genetics, Inc.).

NM_000179.3(MSH6):c.3111C>G (p.Phe1037Leu)

Gene: MSH6 (mutS homolog 6; plus strand). Cytogenetic location: 2p16.3.
Variant type: single nucleotide variant.
Coding change: c.3111C>G on transcript NM_000179.3 (MANE Select); coding-DNA position 3111, C replaced by G.
Protein change: p.Phe1037Leu; replaces phenylalanine 1037 with leucine.
Molecular consequence: missense variant.
Genome position (GRCh38, 1-based): chr2:47,801,094, C>G. VCF-style: chr2-47801094-C-G. GRCh37 (hg19) VCF-style: chr2-48028233-C-G.
Other names: p.F1037L:TTC>TTG; c.2721C>G, p.Phe907Leu (NM_001281492.2); c.2205C>G, p.Phe735Leu (NM_001281493.2, NM_001281494.2); short protein forms F1037L, F735L, F907L.
Identifiers: ClinVar variation 182642 (VCV000182642.26), dbSNP rs587781673, ClinGen allele CA011584.